The following is an entry in ClinVar:

ClinVar aggregate classification (germline): Uncertain significance (1 of 4 stars; one submission).

Conditions:
Very long chain acyl-CoA dehydrogenase deficiency (ACADVLD). Also called: VLCAD Deficiency; Very Long-Chain Acyl-Coenzyme A Dehydrogenase Deficiency. Identifiers: Orphanet 26793, MedGen C3887523, MONDO:0008723, OMIM 201475.

Allele frequency attached by ClinVar (database versions not stated): gnomAD exomes below 0.00001; ExAC 0.00001.
gnomAD v4.1: 2 of 1,614,106 alleles (0.00012%); highest among the groups gnomAD compares: Admixed American, 0.0033%; no homozygotes.

Submission:

Labcorp Genetics (formerly Invitae), Labcorp
Classification: Uncertain significance for Very long chain acyl-CoA dehydrogenase deficiency. Last evaluated: 2025-01-01. Review status: criteria provided, single submitter. Criteria: Invitae Variant Classification Sherloc (09022015). Collection method: clinical testing. Allele origin: germline.
Comment: This sequence change replaces leucine, which is neutral and non-polar, with proline, which is neutral and non-polar, at codon 653 of the ACADVL protein (p.Leu653Pro). This variant is present in population databases (rs776166014, gnomAD 0.003%). This variant has not been reported in the literature in individuals affected with ACADVL-related conditions. ClinVar contains an entry for this variant (Variation ID: 2415063). Invitae Evidence Modeling of protein sequence and biophysical properties (such as structural, functional, and spatial information, amino acid conservation, physicochemical variation, residue mobility, and thermodynamic stability) has been performed for this missense variant. However, the output from this modeling did not meet the statistical confidence thresholds required to predict the impact of this variant on ACADVL protein function. In summary, the available evidence is currently insufficient to determine the role of this variant in disease. Therefore, it has been classified as a Variant of Uncertain Significance.

NM_000018.4(ACADVL):c.1958T>C (p.Leu653Pro)

Gene: ACADVL (acyl-CoA dehydrogenase very long chain; plus strand). Cytogenetic location: 17p13.1.
Variant type: single nucleotide variant.
Coding change: c.1958T>C on transcript NM_000018.4 (MANE Select); coding-DNA position 1958, T replaced by C.
Protein change: p.Leu653Pro; replaces leucine 653 with proline.
Molecular consequence: missense variant.
Genome position (GRCh38, 1-based): chr17:7,225,087, T>C. VCF-style: chr17-7225087-T-C. GRCh37 (hg19) VCF-style: chr17-7128406-T-C.
Other names: c.1892T>C, p.Leu631Pro (NM_001033859.3); c.2027T>C, p.Leu676Pro (NM_001270447.2); c.1730T>C, p.Leu577Pro (NM_001270448.2); short protein forms L577P, L631P, L653P, L676P.
Identifiers: ClinVar variation 2415063 (VCV002415063.4), dbSNP rs776166014, ClinGen allele CA8338316.
Genomic context (GRCh38, chr17:7,225,087, plus strand): 5'-ACTTCAAAAGCATCTCCAAGGCCTTGGTGGAGCGGGGTGGTGTGGTCACCAGCAACCCAC[T>C]TGGCTTCTGAATACTCCCGGCCAGGGCCTGTCCCAGTTATGTGCCTTCCCTCAAGCCAAA-3'
Protein context (NP_000009.1, residues 643-655): ERGGVVTSNP[Leu653Pro]GF